The following is an entry in ClinVar:

NM_183357.3(ADCY5):c.2539C>G (p.Leu847Val)

Gene: ADCY5 (adenylate cyclase 5; minus strand). Cytogenetic location: 3q21.1.
Variant type: single nucleotide variant.
Coding change: c.2539C>G on transcript NM_183357.3 (MANE Select); coding-DNA position 2539, C replaced by G.
Protein change: p.Leu847Val; replaces leucine 847 with valine.
Molecular consequence: missense variant.
Genome position (GRCh38, 1-based): chr3:123,304,087, G>C on the plus strand (C>G on the coding strand, the complement: ADCY5 is on the minus strand). VCF-style: chr3-123304087-G-C. GRCh37 (hg19) VCF-style: chr3-123022934-G-C.
Other names: c.1489C>G, p.Leu497Val (NM_001199642.1); c.2539C>G, p.Leu847Val (NM_001378259.1); short protein forms L497V, L847V.
Identifiers: ClinVar variation 3610654 (VCV003610654.2).

ClinVar aggregate classification (germline): Uncertain significance (1 of 4 stars; one submission).

gnomAD v4.1: 4 of 1,613,428 alleles (0.00025%); highest among the groups gnomAD compares: Non-Finnish European, 0.00034%; no homozygotes.

Submission:

Labcorp Genetics (formerly Invitae), Labcorp
Classification: Uncertain significance. Last evaluated: 2024-02-17. Review status: criteria provided, single submitter. Criteria: Invitae Variant Classification Sherloc (09022015). Collection method: clinical testing. Allele origin: germline.
Comment: This sequence change replaces leucine, which is neutral and non-polar, with valine, which is neutral and non-polar, at codon 847 of the ADCY5 protein (p.Leu847Val). This variant is present in population databases (no rsID available, gnomAD 0.0009%). This variant has not been reported in the literature in individuals affected with ADCY5-related conditions. Advanced modeling of protein sequence and biophysical properties (such as structural, functional, and spatial information, amino acid conservation, physicochemical variation, residue mobility, and thermodynamic stability) has been performed at Invitae for this missense variant, however the output from this modeling did not meet the statistical confidence thresholds required to predict the impact of this variant on ADCY5 protein function. In summary, the available evidence is currently insufficient to determine the role of this variant in disease. Therefore, it has been classified as a Variant of Uncertain Significance.